The following is an entry in ClinVar:

NM_144670.6(A2ML1):c.2590+116T>C

Gene: A2ML1 (alpha-2-macroglobulin like 1; plus strand). Cytogenetic location: 12p13.31.
Variant type: single nucleotide variant.
Coding change: c.2590+116T>C on transcript NM_144670.6 (MANE Select); 116 bases into the intron after coding-DNA position 2590, T replaced by C.
Molecular consequence: intron variant.
Genome position (GRCh38, 1-based): chr12:8,852,452, T>C. VCF-style: chr12-8852452-T-C. GRCh37 (hg19) VCF-style: chr12-9005048-T-C.
Other names: c.1117+116T>C (NM_001282424.3).
Identifiers: ClinVar variation 561634 (VCV000561634.1), dbSNP rs112238175, ClinGen allele CA232691569.
Genomic context (GRCh38, chr12:8,852,452, plus strand): 5'-CTGAGCACTCAGTCTTTTCCTCTGCCACATCTGCTTTGCTTCCTCCTCCATTTTCCACTA[T>C]TTTTCTCCCTCCTAAGGCTGTTATAAGTCAATACACAAACACTCTTTGATAGGTGACCAA-3'

ClinVar aggregate classification (germline): Likely benign (1 of 4 stars; one submission).

Allele frequency attached by ClinVar (database versions not stated): gnomAD exomes 0.00063; gnomAD 0.00729 and 0.00762; TOPMed 0.00752; 1000 Genomes Project 30x 0.00812; 1000 Genomes Project 0.00899.
gnomAD v4.1: 2,045 of 1,459,650 alleles (0.14%); highest among the groups gnomAD compares: African/African-American, 2.5%; 30 homozygotes.

Submission:

GeneDx
Classification: Likely benign. Last evaluated: 2018-06-19. Review status: criteria provided, single submitter. Criteria: GeneDx Variant Classification (06012015). Collection method: clinical testing. Allele origin: germline. Affected: yes.
Comment: This variant is considered likely benign or benign based on one or more of the following criteria: it is a conservative change, it occurs at a poorly conserved position in the protein, it is predicted to be benign by multiple in silico algorithms, and/or has population frequency not consistent with disease.